The following is an entry in ClinVar:

ClinVar aggregate classification (germline): Pathogenic (1 of 4 stars; one submission).

Conditions:
Melnick-Fraser syndrome (BOR). Also called: Branchiootorenal Syndrome (BORS); Branchio-oto-renal syndrome; Branchiootorenal syndrome. Identifiers: Orphanet 107, MedGen C0265234, MONDO:0007029.

Submission:

Labcorp Genetics (formerly Invitae), Labcorp
Classification: Pathogenic for Melnick-Fraser syndrome. Last evaluated: 2019-04-06. Review status: criteria provided, single submitter. Criteria: Invitae Variant Classification Sherloc (09022015). Collection method: clinical testing. Allele origin: germline.
Comment: This sequence change creates a premature translational stop signal (p.Ala269Glufs*97) in the EYA1 gene. It is expected to result in an absent or disrupted protein product. This variant is not present in population databases (ExAC no frequency). This variant has been observed in several individuals affected with brachio-oto-renal syndrome (PMID: 18220287, 15146463). This variant is also known as NM_172060.1:c.707delC (p.M332X) in the literature. Loss-of-function variants in EYA1 are known to be pathogenic (PMID: 18220287, 10464653). For these reasons, this variant has been classified as Pathogenic.

Literature cited by the submitters: PubMed 18220287; PubMed 15146463; PubMed 10464653.

NM_000503.6(EYA1):c.806del (p.Ala269fs)

Gene: EYA1 (EYA transcriptional coactivator and phosphatase 1; minus strand). Cytogenetic location: 8q13.3.
Variant type: Deletion.
Coding change: c.806del on transcript NM_000503.6 (MANE Select); coding-DNA position 806, one base deleted (C; older notation c.806delC).
Protein change: p.Ala269fs; shifts the reading frame from alanine 269.
Molecular consequence: frameshift variant.
Genome position (GRCh38, 1-based): chr8:71,299,067, G deleted on the plus strand (C on the coding strand, the reverse complement: EYA1 is on the minus strand). VCF-style (leftmost placement, unchanged base first): chr8-71299066-TG-T. GRCh37 (hg19) VCF-style: chr8-72211301-TG-T.
Other names: c.788del, p.Ala263fs (NM_001288574.2); c.440del, p.Ala147fs (NM_001288575.2); c.893del, p.Ala298fs (NM_001370333.1); c.806del, p.Ala269fs (NM_001370334.1, NM_001370335.1, NM_172058.4); c.875del, p.Ala292fs (NM_001370336.1); c.878del, p.Ala293fs (NM_172059.5); short protein forms A147fs, A292fs, A263fs, A293fs, A298fs, A269fs.
Identifiers: ClinVar variation 856463 (VCV000856463.9), dbSNP rs1819903817, ClinGen allele CA916082999.
Genomic context (GRCh38, chr8:71,299,066, plus strand): 5'-GAAAATATCACCTGCAGGACTAATAATATTCACATAATTACCTGCTGTGGGATCTGTAAC[TG>T]CTTGGCTGGTGATGCCAGATGGCGGTTCTTGAAGCTGGTAAGTGGCATTGGTGGATGGTG-3'